The following is an entry in ClinVar:

ClinVar aggregate classification (germline): Uncertain significance (1 of 4 stars; one submission).

Conditions:
Hereditary cancer-predisposing syndrome. Also called: Tumor predisposition; Hereditary Cancer Syndrome; Hereditary neoplastic syndrome; Neoplastic Syndromes, Hereditary. Identifiers: Orphanet 140162, MedGen C0027672, MeSH D009386, MONDO:0015356.
Familial thoracic aortic aneurysm and aortic dissection (TAAD). Also called: Thoracic aortic aneurysms and dissections. Identifiers: Orphanet 91387, MedGen C4707243, MONDO:0019625.

Submission:

Ambry Genetics
Classification: Uncertain significance for Hereditary cancer-predisposing syndrome; Familial thoracic aortic aneurysm and aortic dissection. Last evaluated: 2025-10-29. Review status: criteria provided, single submitter. Criteria: Ambry Variant Classification Scheme 2023. Collection method: clinical testing. Allele origin: germline.
Comment: The c.249+3T>A intronic variant results from a T to A substitution 3 nucleotides after coding exon 1 in the SMAD4 gene. This nucleotide position is not well conserved in available vertebrate species. In silico splice site analysis predicts that this alteration will not have any significant effect on splicing. Based on the available evidence, the clinical significance of this variant remains unclear.

NM_005359.6(SMAD4):c.249+3T>A

Gene: SMAD4 (SMAD family member 4; plus strand). Cytogenetic location: 18q21.2.
Variant type: single nucleotide variant.
Coding change: c.249+3T>A on transcript NM_005359.6 (MANE Select); 3 bases into the intron after coding-DNA position 249, T replaced by A.
Molecular consequence: intron variant.
Genome position (GRCh38, 1-based): chr18:51,047,298, T>A. VCF-style: chr18-51047298-T-A. GRCh37 (hg19) VCF-style: chr18-48573668-T-A.
Other names: c.249+3T>A (NM_001407042.1, NM_001407041.1, NM_001407043.1).
Identifiers: ClinVar variation 4558958 (VCV004558958.1).
Genomic context (GRCh38, chr18:51,047,298, plus strand): 5'-TGGAGCTCATCCTAGTAAATGTGTTACCATACAGAGAACATTGGATGGGAGGCTTCAGGT[T>A]AGTCTTATAAGAGTTTTTCTATACCCTCTATGGTGGCAGATTTAAAAACTTGCTACGTTT-3'